The following is an entry in ClinVar:

NM_001256545.2(MEGF10):c.2157T>C (p.His719=)

Gene: MEGF10 (multiple EGF like domains 10; plus strand). Cytogenetic location: 5q23.2.
Variant type: single nucleotide variant.
Coding change: c.2157T>C on transcript NM_001256545.2 (MANE Select); coding-DNA position 2157, T replaced by C.
Protein change: p.His719=; no amino-acid change (histidine 719 retained).
Molecular consequence: synonymous variant.
Genome position (GRCh38, 1-based): chr5:127,438,491, T>C. VCF-style: chr5-127438491-T-C. GRCh37 (hg19) VCF-style: chr5-126774183-T-C.
Other names: c.2157T>C, p.His719= (NM_032446.3).
Identifiers: ClinVar variation 539971 (VCV000539971.18), dbSNP rs374544972, ClinGen allele CA3391858.

ClinVar aggregate classification (germline): Conflicting classifications of pathogenicity. Review status: criteria provided, conflicting classifications (1 of 4 stars). 4 submissions from 4 submitters: Uncertain significance (1); Likely benign (3). Last evaluated 2024-12-09.

Conditions:
MEGF10-related myopathy (CMYO10A). Also called: Congenital myopathy 10A, severe variant. Identifiers: Orphanet 439212, MedGen C3280679, MONDO:0013731, OMIM 614399.

Allele frequency attached by ClinVar (database versions not stated): gnomAD exomes below 0.00001 and 0.00002; ExAC 0.00003; gnomAD 0.00007 and 0.00009; TOPMed 0.00011; ESP Exome Variant Server 0.00015.
gnomAD v4.1: 25 of 1,614,002 alleles (0.0015%); highest among the groups gnomAD compares: African/African-American, 0.021%; no homozygotes.

Submissions (4):

Labcorp Genetics (formerly Invitae), Labcorp
Classification: Likely benign for MEGF10-related myopathy. Last evaluated: 2024-12-09. Review status: criteria provided, single submitter. Criteria: Invitae Variant Classification Sherloc (09022015). Collection method: clinical testing. Allele origin: germline.

Blueprint Genetics
Classification: Likely benign. Last evaluated: 2024-11-11. Review status: criteria provided, single submitter. Criteria: ACMG Guidelines, 2015. Collection method: clinical testing. Allele origin: germline.

GeneDx
Classification: Likely benign. Last evaluated: 2018-04-19. Review status: criteria provided, single submitter. Criteria: GeneDx Variant Classification (06012015). Collection method: clinical testing. Allele origin: germline. Affected: yes.
Comment: This variant is considered likely benign or benign based on one or more of the following criteria: it is a conservative change, it occurs at a poorly conserved position in the protein, it is predicted to be benign by multiple in silico algorithms, and/or has population frequency not consistent with disease.

Illumina Laboratory Services, Illumina
Classification: Uncertain significance for MEGF10-related myopathy. Last evaluated: 2018-01-13. Review status: criteria provided, single submitter. Criteria: ICSL Variant Classification Criteria 13 December 2019. Collection method: clinical testing. Allele origin: germline.